The following is an entry in ClinVar:

NM_004369.4(COL6A3):c.6371C>G (p.Pro2124Arg)

Gene: COL6A3 (collagen type VI alpha 3 chain; minus strand). Cytogenetic location: 2q37.3.
Variant type: single nucleotide variant.
Coding change: c.6371C>G on transcript NM_004369.4 (MANE Select); coding-DNA position 6371, C replaced by G.
Protein change: p.Pro2124Arg; replaces proline 2124 with arginine.
Molecular consequence: missense variant.
Genome position (GRCh38, 1-based): chr2:237,359,072, G>C on the plus strand (C>G on the coding strand, the complement: COL6A3 is on the minus strand). VCF-style: chr2-237359072-G-C. GRCh37 (hg19) VCF-style: chr2-238267715-G-C.
Other names: c.4550C>G, p.Pro1517Arg (NM_057166.5); c.5753C>G, p.Pro1918Arg (NM_057167.4); short protein forms P1918R, P2124R, P1517R.
Identifiers: ClinVar variation 1971721 (VCV001971721.5), dbSNP rs2469858371, ClinGen allele CA351215765.

ClinVar aggregate classification (germline): Uncertain significance (1 of 4 stars; one submission).

Conditions:
Bethlem myopathy 1A. Also called: MYOPATHY, BENIGN CONGENITAL, WITH CONTRACTURES; Bethlem myopathy 1; Bethlem Muscular Dystrophy. Identifiers: Orphanet 610, MedGen CN029274, MONDO:0024530, OMIM 158810.

gnomAD v4.1: 1 of 1,614,108 alleles (0.000062%); highest among the groups gnomAD compares: Non-Finnish European, 0.000085%; no homozygotes.

Submission:

Labcorp Genetics (formerly Invitae), Labcorp
Classification: Uncertain significance for Bethlem myopathy 1A. Last evaluated: 2022-02-25. Review status: criteria provided, single submitter. Criteria: Invitae Variant Classification Sherloc (09022015). Collection method: clinical testing. Allele origin: germline.
Comment: In summary, the available evidence is currently insufficient to determine the role of this variant in disease. Therefore, it has been classified as a Variant of Uncertain Significance. Advanced modeling of protein sequence and biophysical properties (such as structural, functional, and spatial information, amino acid conservation, physicochemical variation, residue mobility, and thermodynamic stability) performed at Invitae indicates that this missense variant is not expected to disrupt COL6A3 protein function. This variant has not been reported in the literature in individuals affected with COL6A3-related conditions. This variant is not present in population databases (gnomAD no frequency). This sequence change replaces proline, which is neutral and non-polar, with arginine, which is basic and polar, at codon 2124 of the COL6A3 protein (p.Pro2124Arg).